The following is an entry in ClinVar:

NM_000089.4(COL1A2):c.31T>A (p.Leu11Met)

Gene: COL1A2 (collagen type I alpha 2 chain; plus strand). Cytogenetic location: 7q21.3.
Variant type: single nucleotide variant.
Coding change: c.31T>A on transcript NM_000089.4 (MANE Select); coding-DNA position 31, T replaced by A.
Protein change: p.Leu11Met; replaces leucine 11 with methionine.
Molecular consequence: missense variant.
Genome position (GRCh38, 1-based): chr7:94,395,062, T>A. VCF-style: chr7-94395062-T-A. GRCh37 (hg19) VCF-style: chr7-94024374-T-A.
Other names: short protein forms L11M.
Identifiers: ClinVar variation 4824777 (VCV004824777.1).
Genomic context (GRCh38, chr7:94,395,062, plus strand): 5'-ACAAGGAGTCTGCATGTCTAAGTGCTAGACATGCTCAGCTTTGTGGATACGCGGACTTTG[T>A]TGCTGCTTGCAGTAACCTTATGCCTAGCAACATGCCAATGTAAGTGCCTTCAGCTTGTTT-3'
Protein context (NP_000080.2, residues 1-21): MLSFVDTRTL[Leu11Met]LLAVTLCLAT

ClinVar aggregate classification (germline): Uncertain significance (1 of 4 stars; one submission).

Conditions:
Cardiovascular phenotype. Identifiers: MedGen CN230736.

Submission:

Ambry Genetics
Classification: Uncertain significance for Cardiovascular phenotype. Last evaluated: 2026-02-15. Review status: criteria provided, single submitter. Criteria: Ambry Variant Classification Scheme 2023. Collection method: clinical testing. Allele origin: germline.
Comment: The p.L11M variant (also known as c.31T>A), located in coding exon 1 of the COL1A2 gene, results from a T to A substitution at nucleotide position 31. The leucine at codon 11 is replaced by methionine, an amino acid with highly similar properties. This amino acid position is conserved. In addition, the in silico prediction for this alteration is inconclusive. Based on the available evidence, the clinical significance of this variant remains unclear.